The following is an entry in ClinVar:

NM_001283009.2(RTEL1):c.635C>T (p.Ser212Phe)

Genes: RTEL1-TNFRSF6B (RTEL1-TNFRSF6B readthrough (NMD candidate); plus strand), RTEL1 (regulator of telomere elongation helicase 1; plus strand). Cytogenetic location: 20q13.33.
Variant type: single nucleotide variant.
Coding change: c.635C>T on transcript NM_001283009.2 (MANE Select); coding-DNA position 635, C replaced by T.
Protein change: p.Ser212Phe; replaces serine 212 with phenylalanine.
Molecular consequence: missense variant. On other transcripts: non-coding transcript variant (1), 5 prime UTR variant (1).
Genome position (GRCh38, 1-based): chr20:63,667,489, C>T. VCF-style: chr20-63667489-C-T. GRCh37 (hg19) VCF-style: chr20-62298842-C-T.
Other names: c.-35C>T (NM_001283010.1); c.635C>T, p.Ser212Phe (NM_016434.4); c.707C>T, p.Ser236Phe (NM_032957.5); short protein forms S236F, S212F.
Identifiers: ClinVar variation 2928940 (VCV002928940.4), dbSNP rs1360362083, ClinGen allele CA409670658.

ClinVar aggregate classification (germline): Uncertain significance. Review status: criteria provided, multiple submitters, no conflicts (2 of 4 stars). 2 submissions from 2 submitters: Uncertain significance (2). Last evaluated 2024-12-12.

Conditions:
Inborn genetic diseases. Identifiers: MedGen C0950123, MeSH D030342.
Dyskeratosis congenita, autosomal recessive 5 (DKCB5). Identifiers: MedGen C3554656, MONDO:0014076, OMIM 615190.
Pulmonary fibrosis and/or bone marrow failure, Telomere-related, 3. Also called: PULMONARY FIBROSIS AND/OR BONE MARROW FAILURE SYNDROME, TELOMERE-RELATED, 3. Identifiers: Orphanet 2032, MedGen C4225346, MONDO:0014613, OMIM 616373.

Allele frequency attached by ClinVar (database versions not stated): gnomAD exomes below 0.00001; gnomAD 0.00001; TOPMed 0.00001.
gnomAD v4.1: 6 of 1,613,870 alleles (0.00037%); highest among the groups gnomAD compares: African/African-American, 0.0013%; no homozygotes.

Submissions (2):

Ambry Genetics
Classification: Uncertain significance for Inborn genetic diseases. Last evaluated: 2024-12-12. Review status: criteria provided, single submitter. Criteria: Ambry Variant Classification Scheme 2023. Collection method: clinical testing. Allele origin: germline.
Comment: The p.S212F variant (also known as c.635C>T), located in coding exon 7 of the RTEL1 gene, results from a C to T substitution at nucleotide position 635. The serine at codon 212 is replaced by phenylalanine, an amino acid with highly dissimilar properties. This amino acid position is conserved. In addition, this alteration is predicted to be deleterious by in silico analysis. Based on the available evidence, the clinical significance of this variant remains unclear.

Labcorp Genetics (formerly Invitae), Labcorp
Classification: Uncertain significance for Dyskeratosis congenita, autosomal recessive 5; Pulmonary fibrosis and/or bone marrow failure, Telomere-related, 3. Last evaluated: 2023-10-17. Review status: criteria provided, single submitter. Criteria: Invitae Variant Classification Sherloc (09022015). Collection method: clinical testing. Allele origin: germline.
Comment: This sequence change replaces serine, which is neutral and polar, with phenylalanine, which is neutral and non-polar, at codon 212 of the RTEL1 protein (p.Ser212Phe). This variant is not present in population databases (gnomAD no frequency). This variant has not been reported in the literature in individuals affected with RTEL1-related conditions. An algorithm developed to predict the effect of missense changes on protein structure and function (PolyPhen-2) suggests that this variant is likely to be disruptive. In summary, the available evidence is currently insufficient to determine the role of this variant in disease. Therefore, it has been classified as a Variant of Uncertain Significance.